The following is an entry in ClinVar:

ClinVar aggregate classification (germline): Uncertain significance (1 of 4 stars; one submission).

Submission:

OLLIN Analises Genomicas, OLLIN
Classification: Uncertain significance. Last evaluated: 2026-08-06. Review status: criteria provided, single submitter. Criteria: ACMG Guidelines 2015 PMID 25741868. Collection method: clinical testing. Allele origin: germline.
Comment: This missense variant, located in exon 6 (of 11), is absent from gnomAD and ClinVar and has not been identified in the literature. In silico analysis is inconclusive regarding the impact of this variant. According to the currently available evidence, this variant has been classified as uncertain significance (PM2_P).

NM_174912.4(FAAH2):c.760G>A (p.Gly254Ser)

Gene: FAAH2 (fatty acid amide hydrolase 2; plus strand). Cytogenetic location: Xp11.21.
Variant type: single nucleotide variant.
Coding change: c.760G>A on transcript NM_174912.4 (MANE Select); coding-DNA position 760, G replaced by A.
Protein change: p.Gly254Ser; replaces glycine 254 with serine.
Molecular consequence: missense variant. On other transcripts: non-coding transcript variant (2).
Genome position (GRCh38, 1-based): chrX:57,378,668, G>A. VCF-style: chrX-57378668-G-A. GRCh37 (hg19) VCF-style: chrX-57405101-G-A.
Other names: c.760G>A, p.Gly254Ser (NM_001353840.1); c.550G>A, p.Gly184Ser (NM_001353841.1); short protein forms G184S, G254S.
Identifiers: ClinVar variation 5002882 (VCV005002882.1).